The following is an entry in ClinVar:

ClinVar aggregate classification (germline): Uncertain significance (1 of 4 stars; one submission).

Submission:

Women's Health and Genetics/Laboratory Corporation of America, LabCorp
Classification: Uncertain significance. Last evaluated: 2025-09-11. Review status: criteria provided, single submitter. Criteria: LabCorp Variant Classification Summary - May 2015. Collection method: clinical testing. Allele origin: germline.
Comment: Variant summary: DIAPH3 c.439G>C (p.Asp147His) results in a non-conservative amino acid change in the encoded protein sequence. Algorithms developed to predict the effect of missense changes on protein structure and function all suggest that this variant is likely to be disruptive. The variant was absent in 249192 control chromosomes. The available data on variant occurrences in the general population are insufficient to allow any conclusion about variant significance. To our knowledge, no occurrence of c.439G>C in individuals affected with DIAPH3-related conditions and no experimental evidence demonstrating its impact on protein function have been reported. No submitters have cited clinical-significance assessments for this variant to ClinVar. Based on the evidence outlined above, the variant was classified as uncertain significance.

NM_001042517.2(DIAPH3):c.439G>C (p.Asp147His)

Gene: DIAPH3 (diaphanous related formin 3; minus strand). Cytogenetic location: 13q21.2.
Variant type: single nucleotide variant.
Coding change: c.439G>C on transcript NM_001042517.2 (MANE Select); coding-DNA position 439, G replaced by C.
Protein change: p.Asp147His; replaces aspartic acid 147 with histidine.
Molecular consequence: missense variant. On other transcripts: intron variant (1).
Genome position (GRCh38, 1-based): chr13:60,093,684, C>G on the plus strand (G>C on the coding strand, the complement: DIAPH3 is on the minus strand). VCF-style: chr13-60093684-C-G. GRCh37 (hg19) VCF-style: chr13-60667818-C-G.
Other names: c.406G>C, p.Asp136His (NM_001258366.2); c.229G>C, p.Asp77His (NM_001258368.2); c.439G>C, p.Asp147His (NM_001258369.2); c.357+18326G>C (NM_001258367.2); short protein forms D136H, D147H, D77H.
Identifiers: ClinVar variation 4535594 (VCV004535594.1).